The following is an entry in ClinVar:

ClinVar aggregate classification (germline): Likely benign. Review status: criteria provided, multiple submitters, no conflicts (2 of 4 stars). 2 submissions from 2 submitters: Likely benign (2). Last evaluated 2026-01-01.

Allele frequency attached by ClinVar (database versions not stated): gnomAD 0.00002; gnomAD exomes 0.00089; ExAC 0.00663.

Submissions (2):

CeGaT Center for Human Genetics Tuebingen
Classification: Likely benign. Last evaluated: 2026-01-01. Review status: criteria provided, single submitter. Criteria: CeGaT Center For Human Genetics Tuebingen Variant Classification Criteria Version 2. Collection method: clinical testing. Allele origin: germline. Affected: yes. Observed: 3 variant alleles.
Comment: STRC: BP4, BP7

Laboratory for Molecular Medicine, Mass General Brigham Personalized Medicine
Classification: Likely benign. Last evaluated: 2014-04-28. Review status: criteria provided, single submitter. Criteria: LMM Criteria. Collection method: clinical testing. Allele origin: germline. Observed: 1 variant allele.
Comment: Thr226Thr in exon 2 of STRC: This variant is not expected to have clinical signi ficance because it does not alter an amino acid residue and is not located withi n the splice consensus sequence.

NM_153700.2(STRC):c.678A>T (p.Thr226=)

Gene: STRC (stereocilin; minus strand). Cytogenetic location: 15q15.3.
Variant type: single nucleotide variant.
Coding change: c.678A>T on transcript NM_153700.2 (MANE Select); coding-DNA position 678, A replaced by T.
Protein change: p.Thr226=; no amino-acid change (threonine 226 retained).
Molecular consequence: synonymous variant.
Genome position (GRCh38, 1-based): chr15:43,617,743, T>A on the plus strand (A>T on the coding strand, the complement: STRC is on the minus strand). VCF-style: chr15-43617743-T-A. GRCh37 (hg19) VCF-style: chr15-43909941-T-A.
Identifiers: ClinVar variation 165323 (VCV000165323.26), dbSNP rs727503452, ClinGen allele CA178068.